The following is an entry in ClinVar:

ClinVar aggregate classification (germline): Conflicting classifications of pathogenicity. Review status: criteria provided, conflicting classifications (1 of 4 stars). 16 submissions from 16 submitters: Pathogenic (5); Likely pathogenic (10); Uncertain significance (1). Last evaluated 2026-01-29.

Conditions:
MYH7-related disorder. Also called: MYH7-related condition; MYH7-related disease; MYH7-related disorders.
Myopathy, myosin storage, autosomal recessive (CMYO7B). Also called: CONGENITAL MYOPATHY 7B, MYOSIN STORAGE, AUTOSOMAL RECESSIVE. Identifiers: Orphanet 636970, MedGen C1850709, MONDO:0009708, OMIM 255160.
Myosin storage myopathy (CMYO7A). Also called: Scapuloperoneal myopathy, MYH7-related; SCAPULOPERONEAL MUSCULAR DYSTROPHY; SCAPULOPERONEAL SYNDROME, MYOPATHIC TYPE; MYH7-related late-onset scapuloperoneal muscular dystrophy; Congenital myopathy 7A, myosin storage, autosomal dominant; MYOPATHY, HYALINE BODY, AUTOSOMAL DOMINANT. Identifiers: Orphanet 437572, Orphanet 636965, MedGen C1842160, MONDO:0008409, OMIM 608358.
Hypertrophic cardiomyopathy 1 (CMH1). Also called: Familial hypertrophic cardiomyopathy 1; MYH7-Related Familial Hypertrophic Cardiomyopathy. Identifiers: MedGen C3495498, MONDO:0008647, OMIM 192600.
Dilated cardiomyopathy 1S (CMD1S). Identifiers: Orphanet 154, Orphanet 54260, MedGen C1834481, MONDO:0013262, OMIM 613426.
MYH7-related skeletal myopathy. Also called: Myopathy, distal, 1; MYOPATHY, DISTAL, EARLY-ONSET, AUTOSOMAL DOMINANT; MYOPATHY, LATE DISTAL HEREDITARY; Laing distal myopathy; Laing early-onset distal myopathy. Identifiers: Orphanet 59135, MedGen C4552004, MONDO:0008050, OMIM 160500.
Cardiovascular phenotype. Identifiers: MedGen CN230736.
Cardiomyopathy (CMYO). Also called: Cardiomyopathies. Identifiers: Orphanet 167848, MedGen C0878544, MONDO:0004994, HP:0001638. Inheritance: Various modes of inheritance.
Primary familial hypertrophic cardiomyopathy (HCM). Identifiers: Orphanet 99739, MedGen C0949658, MeSH D024741, MONDO:0024573. Inheritance: Various modes of inheritance.
Primary dilated cardiomyopathy (DCM). Also called: Dilated Cardiomyopathy. Identifiers: Orphanet 217604, MedGen C0007193, MeSH D002311, MONDO:0005021, HP:0001644. Inheritance: Various modes of inheritance.
Hypertrophic cardiomyopathy. Also called: HYPERTROPHIC MYOCARDIOPATHY. Identifiers: Orphanet 217569, MedGen C0007194, MeSH D002312, MONDO:0005045, HP:0001639.

Allele frequency attached by ClinVar (database versions not stated): gnomAD exomes below 0.00001 and 0.00001; ExAC 0.00001; gnomAD 0.00001.
gnomAD v4.1: 3 of 1,614,118 alleles (0.00019%); highest among the groups gnomAD compares: Admixed American, 0.005%; no homozygotes.

Submissions 1 to 5 of 16:

PreventionGenetics, part of Exact Sciences
Classification: Likely pathogenic for MYH7-related condition. Last evaluated: 2026-01-29. Review status: criteria provided, single submitter. Criteria: ACMG Guidelines, 2015. Collection method: clinical testing. Allele origin: germline.
Comment: The MYH7 c.709C>T variant is predicted to result in the amino acid substitution p.Arg237Trp. This variant has been reported in individuals with dilated cardiomyopathy (DCM; see, for example: Hershberger et al. 2008. PubMed ID: 19412328; Table S1B, Walsh et al. 2017. PubMed ID: 27532257; Table S1, Dal Ferro et al. 2017. PubMed ID: 28416588). This variant has also been reported in two individuals with end-stage heart failure (Table S1, Silver et al. 2025. PubMed ID: 39454940). Some individuals with this variant have also been reported to carry variants in other DCM-related genes (Hershberger et al. 2008. PubMed ID: 19412328; Franaszczyk et al. 2017. PubMed ID: 28045975). It has been reported to segregate with disease in a family with DCM (see SCV000059645.6 in ClinVar). In vitro experimental studies suggest this variant impacts protein function (Liu et al. 2018. PubMed ID: 29867217; Ujfalusi et al. 2018. PubMed ID: 29666183). This variant occurs within a region in which disease-associated variations are enriched (residues 167–931, Walsh et al. 2019. PubMed ID: 30696458). This variant is reported in 0.0087% of alleles in individuals of Latino descent in gnomAD and is interpreted as likely pathogenic or pathogenic in ClinVar (Variation ID: 43098). This variant is interpreted as likely pathogenic.

Women's Health and Genetics/Laboratory Corporation of America, LabCorp
Classification: Pathogenic for Primary familial hypertrophic cardiomyopathy. Last evaluated: 2026-01-27. Review status: criteria provided, single submitter. Criteria: LabCorp Variant Classification Summary - May 2015. Collection method: clinical testing. Allele origin: germline.
Comment: Variant summary: MYH7 c.709C>T (p.Arg237Trp) results in a non-conservative amino acid change in the encoded protein sequence. Algorithms developed to predict the effect of missense changes on protein structure and function all suggest that this variant is likely to be disruptive. The variant allele was found at a frequency of 1.2e-05 in 251496 control chromosomes. c.709C>T has been observed in individual(s) affected with Hypertrophic Cardiomyopathy (example: Hershberger_2008, Kurzlechner_2022, Silver_2025, internal data). These data indicate that the variant is likely to be associated with disease. Functional studies suggest this variant may alter myosin force generation capacity (Ujfalusi_2018). The following publications have been ascertained in the context of this evaluation (PMID: 19412328, 39454940, 19412328 , 29666183, 35629155). ClinVar contains an entry for this variant (Variation ID: 43098). Based on the evidence outlined above, the variant was classified as pathogenic.

Labcorp Genetics (formerly Invitae), Labcorp
Classification: Pathogenic for Hypertrophic cardiomyopathy. Last evaluated: 2026-01-06. Review status: criteria provided, single submitter. Criteria: Invitae Variant Classification Sherloc (09022015). Collection method: clinical testing. Allele origin: germline.
Comment: This sequence change replaces arginine, which is basic and polar, with tryptophan, which is neutral and slightly polar, at codon 237 of the MYH7 protein (p.Arg237Trp). This variant is present in population databases (rs45516091, gnomAD 0.006%). This missense change has been observed in individuals with dilated cardiomyopathy (PMID: 19412328, 27532257, 28416588; internal data). ClinVar contains an entry for this variant (Variation ID: 43098). Invitae Evidence Modeling of protein sequence and biophysical properties (such as structural, functional, and spatial information, amino acid conservation, physicochemical variation, residue mobility, and thermodynamic stability) indicates that this missense variant is expected to disrupt MYH7 protein function with a positive predictive value of 95%. Experimental studies have shown that this missense change affects MYH7 function (PMID: 29666183). For these reasons, this variant has been classified as Pathogenic.

GeneDx
Classification: Likely pathogenic. Last evaluated: 2025-08-14. Review status: criteria provided, single submitter. Criteria: GeneDx Variant Classification Process June 2021. Collection method: clinical testing. Allele origin: germline. Affected: yes.
Comment: Identified in patients with cardiomyopathy in the published literature; several patients harbored additional cardiogenetic variants (PMID: 19412328, 24503780, 28416588, 27532257, 28045975, 37652022, 36396199); Not observed at significant frequency in large population cohorts (gnomAD); In silico analysis supports that this missense variant has a deleterious effect on protein structure/function; This variant is associated with the following publications: (PMID: 22337857, 27532257, 28045975, 23403236, 28416588, 24503780, 34542152, 31514951, 31447099, 19412328, 37652022, 36396199, Chvez-Ocaa2024[CaseReport], 29300372, Polyak2016[caserep], Robeson2025[computational], 29867217, 29666183, 27247418, 30696458, 16911908, 37904629)

Ambry Genetics
Classification: Likely pathogenic for Cardiovascular phenotype. Last evaluated: 2025-01-03. Review status: criteria provided, single submitter. Criteria: Ambry Variant Classification Scheme 2023. Collection method: clinical testing. Allele origin: germline.
Comment: The c.709C>T (p.R237W) alteration is located in exon 8 (coding exon 6) of the MYH7 gene. This alteration results from a C to T substitution at nucleotide position 709, causing the arginine (R) at amino acid position 237 to be replaced by a tryptophan (W). Based on data from gnomAD, the T allele has an overall frequency of 0.001% (3/251496) total alleles studied. The highest observed frequency was 0.009% (3/34592) of Latino alleles. This variant was identified in one or more individuals with features consistent with dilated cardiomyopathy (DCM) and segregated with disease in at least one family (Hershberger, 2008; Dal Ferro, 2017; Franaszczyk, 2017; Walsh, 2017; Gigli, 2019; external communications; Ambry internal data). This amino acid position is highly conserved in available vertebrate species. Functional studies suggest this variant may alter myosin force generation capacity; however, the physiological relevance is unclear (Ujfalusi, 2018). This alteration is predicted to be deleterious by in silico analysis. Based on the available evidence, this alteration is classified as likely pathogenic.

NM_000257.4(MYH7):c.709C>T (p.Arg237Trp)

Gene: MYH7 (myosin heavy chain 7; minus strand). Cytogenetic location: 14q11.2.
Variant type: single nucleotide variant.
Coding change: c.709C>T on transcript NM_000257.4 (MANE Select); coding-DNA position 709, C replaced by T.
Protein change: p.Arg237Trp; replaces arginine 237 with tryptophan.
Molecular consequence: missense variant.
Genome position (GRCh38, 1-based): chr14:23,431,608, G>A on the plus strand (C>T on the coding strand, the complement: MYH7 is on the minus strand). VCF-style: chr14-23431608-G-A. GRCh37 (hg19) VCF-style: chr14-23900817-G-A.
Other names: p.R237W:CGG>TGG; c.[709C>T] (NM_000257.3); short protein forms R237W.
Identifiers: ClinVar variation 43098 (VCV000043098.39), dbSNP rs45516091, ClinGen allele CA016662.